The following is an entry in ClinVar:

NM_001394062.1(MACF1):c.1193A>G (p.Glu398Gly)

Gene: MACF1 (microtubule actin crosslinking factor 1; plus strand). Cytogenetic location: 1p34.3.
Variant type: single nucleotide variant.
Coding change: c.1193A>G on transcript NM_001394062.1 (MANE Select); coding-DNA position 1193, A replaced by G.
Protein change: p.Glu398Gly; replaces glutamic acid 398 with glycine.
Molecular consequence: missense variant.
Genome position (GRCh38, 1-based): chr1:39,285,144, A>G. VCF-style: chr1-39285144-A-G. GRCh37 (hg19) VCF-style: chr1-39750816-A-G.
Other names: c.1208A>G, p.Glu403Gly (NM_012090.5); short protein forms E398G, E403G.
Identifiers: ClinVar variation 3776599 (VCV003776599.2).

ClinVar aggregate classification (germline): Uncertain significance (1 of 4 stars; one submission).

gnomAD v4.1: 1 of 1,614,222 alleles (0.000062%); highest among the groups gnomAD compares: Non-Finnish European, 0.000085%; no homozygotes.

Submission:

GeneDx
Classification: Uncertain significance. Last evaluated: 2026-03-17. Review status: criteria provided, single submitter. Criteria: GeneDx Variant Classification Process June 2021. Collection method: clinical testing. Allele origin: germline.
Comment: Not observed at significant frequency in large population cohorts (gnomAD); In silico analysis supports that this missense variant has a deleterious effect on protein structure/function; Has not been previously published as pathogenic or benign to our knowledge